The following is an entry in ClinVar:

NM_001111125.3(IQSEC2):c.2174C>T (p.Pro725Leu)

Gene: IQSEC2 (IQ motif and Sec7 domain ArfGEF 2; minus strand). Cytogenetic location: Xp11.22.
Variant type: single nucleotide variant.
Coding change: c.2174C>T on transcript NM_001111125.3 (MANE Select); coding-DNA position 2174, C replaced by T.
Protein change: p.Pro725Leu; replaces proline 725 with leucine.
Molecular consequence: missense variant.
Genome position (GRCh38, 1-based): chrX:53,250,402, G>A on the plus strand (C>T on the coding strand, the complement: IQSEC2 is on the minus strand). VCF-style: chrX-53250402-G-A. GRCh37 (hg19) VCF-style: chrX-53279584-G-A.
Other names: c.1559C>T, p.Pro520Leu (NM_015075.2); c.2174C>T (NM_001111125.2); short protein forms P725L, P520L.
Identifiers: ClinVar variation 390034 (VCV000390034.6), dbSNP rs782745696, ClinGen allele CA10419975.

ClinVar aggregate classification (germline): Benign/Likely benign. Review status: criteria provided, multiple submitters, no conflicts (2 of 4 stars). 3 submissions from 3 submitters: Benign (1); Likely benign (2). Last evaluated 2025-11-09.

Conditions:
Intellectual developmental disorder, X-linked 1. Also called: Intellectual disability, X-linked 1; Atkin Flaitz Patil Smith syndrome; MENTAL RETARDATION, X-LINKED 18; MENTAL RETARDATION, X-LINKED 78. Identifiers: Orphanet 777, MedGen C2931498, MONDO:0010656, OMIM 309530.
Inborn genetic diseases. Identifiers: MedGen C0950123, MeSH D030342.

Allele frequency attached by ClinVar (database versions not stated): gnomAD 0.00002; gnomAD exomes 0.00002 and 0.00001; 1000 Genomes Project 0.00026; ExAC 0.00001; TOPMed 0.00002.
gnomAD v4.1: 23 of 1,210,124 alleles (0.0019%); highest among the groups gnomAD compares: Middle Eastern, 0.023%; no homozygotes.

Submissions (3):

Labcorp Genetics (formerly Invitae), Labcorp
Classification: Benign for Intellectual developmental disorder, X-linked 1. Last evaluated: 2025-11-09. Review status: criteria provided, single submitter. Criteria: Invitae Variant Classification Sherloc (09022015). Collection method: clinical testing. Allele origin: germline.

Ambry Genetics
Classification: Likely benign for Inborn genetic diseases. Last evaluated: 2023-11-13. Review status: criteria provided, single submitter. Criteria: Ambry Variant Classification Scheme 2023. Collection method: clinical testing. Allele origin: germline.

GeneDx
Classification: Likely benign. Last evaluated: 2016-12-23. Review status: criteria provided, single submitter. Criteria: GeneDx Variant Classification (06012015). Collection method: clinical testing. Allele origin: germline. Affected: yes.
Comment: This variant is considered likely benign or benign based on one or more of the following criteria: it is a conservative change, it occurs at a poorly conserved position in the protein, it is predicted to be benign by multiple in silico algorithms, and/or has population frequency not consistent with disease.